The following is an entry in ClinVar:

NC_000005.9:g.(?_54527203)_(54529351_?)dup

Gene: CCNO (cyclin O; minus strand). Cytogenetic location: 5q11.2.
Variant type: Duplication.
Identifiers: ClinVar variation 1449633 (VCV001449633.13).

ClinVar aggregate classification (germline): Uncertain significance (1 of 4 stars; one submission).

Conditions:
Primary ciliary dyskinesia. Also called: Ciliary dyskinesia. Identifiers: Orphanet 244, MedGen C0008780, MONDO:0016575, HP:0012265.

Submission:

Labcorp Genetics (formerly Invitae), Labcorp
Classification: Uncertain significance for Primary ciliary dyskinesia. Last evaluated: 2024-01-29. Review status: criteria provided, single submitter. Criteria: Invitae Variant Classification Sherloc (09022015). Collection method: clinical testing. Allele origin: germline.
Comment: A copy number gain of the genomic region encompassing the full coding sequence of the CCNO gene has been identified. The boundaries of this event are unknown as they extend beyond the assayed region for this gene and therefore may encompass additional genes. As the precise location of this event is unknown, it may be in tandem or it may be located elsewhere in the genome. This variant has not been reported in the literature in individuals affected with CCNO-related conditions. In summary, the available evidence is currently insufficient to determine the role of this variant in disease. Therefore, it has been classified as a Variant of Uncertain Significance.